The following is an entry in ClinVar:

ClinVar aggregate classification (germline): Uncertain significance (1 of 4 stars; one submission).

Submission:

CeGaT Center for Human Genetics Tuebingen
Classification: Uncertain significance. Last evaluated: 2025-10-01. Review status: criteria provided, single submitter. Criteria: CeGaT Center For Human Genetics Tuebingen Variant Classification Criteria Version 2. Collection method: clinical testing. Allele origin: germline. Affected: yes. Observed: 1 variant allele.
Comment: RRAGC: PM2, PP2, PP3

NM_022157.4(RRAGC):c.201G>A (p.Met67Ile)

Genes: RRAGC (Ras related GTP binding C; minus strand), LOC112577596 (Sharpr-MPRA regulatory region 3933; plus strand). Cytogenetic location: 1p34.3.
Variant type: single nucleotide variant.
Coding change: c.201G>A on transcript NM_022157.4 (MANE Select); coding-DNA position 201, G replaced by A.
Protein change: p.Met67Ile; replaces methionine 67 with isoleucine.
Molecular consequence: missense variant.
Genome position (GRCh38, 1-based): chr1:38,859,446, C>T on the plus strand (G>A on the coding strand, the complement: RRAGC is on the minus strand). VCF-style: chr1-38859446-C-T. GRCh37 (hg19) VCF-style: chr1-39325118-C-T.
Other names: c.201G>A, p.Met67Ile (NM_001271851.2); short protein forms M67I.
Identifiers: ClinVar variation 4534874 (VCV004534874.6).